The following is an entry in ClinVar:

NM_017950.4(CCDC40):c.13G>A (p.Gly5Ser)

Gene: CCDC40 (coiled-coil domain 40 molecular ruler complex subunit; plus strand). Cytogenetic location: 17q25.3.
Variant type: single nucleotide variant.
Coding change: c.13G>A on transcript NM_017950.4 (MANE Select); coding-DNA position 13, G replaced by A.
Protein change: p.Gly5Ser; replaces glycine 5 with serine.
Molecular consequence: missense variant.
Genome position (GRCh38, 1-based): chr17:80,036,675, G>A. VCF-style: chr17-80036675-G-A. GRCh37 (hg19) VCF-style: chr17-78010474-G-A.
Other names: c.13G>A, p.Gly5Ser (NM_001243342.2, NM_001330508.2); short protein forms G5S.
Identifiers: ClinVar variation 2853875 (VCV002853875.3), dbSNP rs2510279398, ClinGen allele CA401344389.
Genomic context (GRCh38, chr17:80,036,675, plus strand): 5'-GTGGTCCCGGCCCGGCCGGATGTTGACAGCGTCGCCTAGCAACGGGAAATGGCGGAACCG[G>A]GCGGCGCGGCGGGCCGGTAAGCCGGGCCGAGGGGCAGCGGGTCTTGGAGTCGCCAGGCCG-3'
Protein context (NP_060420.2, residues 1-15): MAEP[Gly5Ser]GAAGRSHPED

ClinVar aggregate classification (germline): Uncertain significance (1 of 4 stars; one submission).

Conditions:
Primary ciliary dyskinesia. Also called: Ciliary dyskinesia. Identifiers: Orphanet 244, MedGen C0008780, MONDO:0016575, HP:0012265.

Allele frequency attached by ClinVar (database versions not stated): gnomAD exomes below 0.00001.
gnomAD v4.1: 2 of 1,463,350 alleles (0.00014%); highest among the groups gnomAD compares: Non-Finnish European, 0.00018%; no homozygotes.

Submission:

Labcorp Genetics (formerly Invitae), Labcorp
Classification: Uncertain significance for Primary ciliary dyskinesia. Last evaluated: 2023-04-09. Review status: criteria provided, single submitter. Criteria: Invitae Variant Classification Sherloc (09022015). Collection method: clinical testing. Allele origin: germline.
Comment: This variant is not present in population databases (gnomAD no frequency). This variant has not been reported in the literature in individuals affected with CCDC40-related conditions. This sequence change replaces glycine, which is neutral and non-polar, with serine, which is neutral and polar, at codon 5 of the CCDC40 protein (p.Gly5Ser). In summary, the available evidence is currently insufficient to determine the role of this variant in disease. Therefore, it has been classified as a Variant of Uncertain Significance. An algorithm developed to predict the effect of missense changes on protein structure and function (PolyPhen-2) suggests that this variant is likely to be tolerated.